The following is an entry in ClinVar:

ClinVar aggregate classification (germline): Conflicting classifications of pathogenicity. Review status: criteria provided, conflicting classifications (1 of 4 stars). 4 submissions from 4 submitters: Pathogenic (1); Uncertain significance (3). Last evaluated 2025-12-24.

Conditions:
Hereditary cancer-predisposing syndrome. Also called: Hereditary Cancer Syndrome; Neoplastic Syndromes, Hereditary; Hereditary neoplastic syndrome; Tumor predisposition. Identifiers: Orphanet 140162, MedGen C0027672, MeSH D009386, MONDO:0015356.
Tumor predisposition syndrome 3 (TPDS3). Also called: Glioma susceptibility 9; LONG TELOMERE SYNDROME, POT1-RELATED; POT1 Tumor Predisposition; Melanoma, cutaneous malignant, susceptibility to, 10. Identifiers: Orphanet 618, MedGen C4014476, MONDO:0014368, OMIM 615848.
Long telomere syndrome.

Allele frequency attached by ClinVar (database versions not stated): gnomAD exomes 0.00002 and 0.00001; TOPMed 0.00002; ExAC 0.00001; gnomAD 0.00001.
gnomAD v4.1: 17 of 1,606,290 alleles (0.0011%); highest among the groups gnomAD compares: East Asian, 0.0045%; no homozygotes.

Submissions (4):

Labcorp Genetics (formerly Invitae), Labcorp
Classification: Uncertain significance for Tumor predisposition syndrome 3. Last evaluated: 2025-12-24. Review status: criteria provided, single submitter. Criteria: Invitae Variant Classification Sherloc (09022015). Collection method: clinical testing. Allele origin: germline.
Comment: This sequence change replaces arginine, which is basic and polar, with cysteine, which is neutral and slightly polar, at codon 80 of the POT1 protein (p.Arg80Cys). This variant is present in population databases (rs778692211, gnomAD 0.009%). This missense change has been observed in individual(s) with melanoma (PMID: 29523635). ClinVar contains an entry for this variant (Variation ID: 541863). Invitae Evidence Modeling of protein sequence and biophysical properties (such as structural, functional, and spatial information, amino acid conservation, physicochemical variation, residue mobility, and thermodynamic stability) indicates that this missense variant is not expected to disrupt POT1 protein function with a negative predictive value of 80%. RNA analysis performed to evaluate the impact of this missense change on mRNA splicing indicates it does not significantly alter splicing (internal data). In summary, the available evidence is currently insufficient to determine the role of this variant in disease. Therefore, it has been classified as a Variant of Uncertain Significance.

The Telomere Center at Johns Hopkins, Johns Hopkins University School of Medicine
Classification: Pathogenic for Long Telomere Syndrome. Last evaluated: 2025-12-23. Review status: criteria provided, single submitter. Criteria: Davidson-Swinton et al. (Blood. 2026). Collection method: clinical testing. Allele origin: germline. Affected: yes.

Ambry Genetics
Classification: Uncertain significance for Hereditary cancer-predisposing syndrome. Last evaluated: 2024-02-02. Review status: criteria provided, single submitter. Criteria: Ambry Variant Classification Scheme 2023. Collection method: clinical testing. Allele origin: germline.
Comment: The p.R80C variant (also known as c.238C>T), located in coding exon 3 of the POT1 gene, results from a C to T substitution at nucleotide position 238. The arginine at codon 80 is replaced by cysteine, an amino acid with highly dissimilar properties. This amino acid position is highly conserved in available vertebrate species. In addition, this alteration is predicted to be deleterious by in silico analysis. Based on the available evidence, the clinical significance of this alteration remains unclear.

GeneDx
Classification: Uncertain significance. Last evaluated: 2022-04-19. Review status: criteria provided, single submitter. Criteria: GeneDx Variant Classification Process June 2021. Collection method: clinical testing. Allele origin: germline. Affected: yes.
Comment: Not observed at significant frequency in large population cohorts (gnomAD); In silico analysis supports that this missense variant has a deleterious effect on protein structure/function; Observed in an individual with multiple primary melanoma (Muller 2018); This variant is associated with the following publications: (PMID: 28393830, 29523635)

Literature cited by the submitters: PubMed 29523635 (cited by Labcorp Genetics (formerly Invitae), Labcorp and Ambry Genetics).

NM_015450.3(POT1):c.238C>T (p.Arg80Cys)

Gene: POT1 (protection of telomeres 1; minus strand). Cytogenetic location: 7q31.33.
Variant type: single nucleotide variant.
Coding change: c.238C>T on transcript NM_015450.3 (MANE Select); coding-DNA position 238, C replaced by T.
Protein change: p.Arg80Cys; replaces arginine 80 with cysteine.
Molecular consequence: missense variant. On other transcripts: non-coding transcript variant (3), intron variant (1).
Genome position (GRCh38, 1-based): chr7:124,870,928, G>A on the plus strand (C>T on the coding strand, the complement: POT1 is on the minus strand). VCF-style: chr7-124870928-G-A. GRCh37 (hg19) VCF-style: chr7-124510982-G-A.
Other names: c.-138-7288C>T (NM_001042594.2); short protein forms R80C.
Identifiers: ClinVar variation 541863 (VCV000541863.16), dbSNP rs778692211, ClinGen allele CA4465485.
Genomic context (GRCh38, chr7:124,870,928, plus strand): 5'-TTCTCTTCAAATAAATATAAGTTCTAGACAATATGAATTATACCTTCAGCCTGTGAAAGC[G>A]AACAATATCTCCATTTTTATAAATTATTGGAAGGGCTTCATAGTTTCCACTAAAGAGCAG-3'
Protein context (NP_056265.2, residues 70-90): PIIYKNGDIV[Arg80Cys]FHRLKIQVYK